The following is an entry in ClinVar:

NM_174936.4(PCSK9):c.611A>G (p.Asp204Gly)

Gene: PCSK9 (proprotein convertase subtilisin/kexin type 9; plus strand). Cytogenetic location: 1p32.3.
Variant type: single nucleotide variant.
Coding change: c.611A>G on transcript NM_174936.4 (MANE Select); coding-DNA position 611, A replaced by G.
Protein change: p.Asp204Gly; replaces aspartic acid 204 with glycine.
Molecular consequence: missense variant.
Genome position (GRCh38, 1-based): chr1:55,052,365, A>G. VCF-style: chr1-55052365-A-G. GRCh37 (hg19) VCF-style: chr1-55518038-A-G.
Other names: c.734A>G, p.Asp245Gly (NM_001407240.1); c.611A>G, p.Asp204Gly (NM_001407241.1, NM_001407242.1, NM_001407244.1 and 1 more transcripts); c.554A>G, p.Asp185Gly (NM_001407243.1); c.419A>G, p.Asp140Gly (NM_001407245.1); c.236A>G, p.Asp79Gly (NM_001407246.1); short protein forms D204G, D185G, D245G, D79G, D140G.
Identifiers: ClinVar variation 926622 (VCV000926622.6), dbSNP rs1469436928, ClinGen allele CA340473448.
Genomic context (GRCh38, chr1:55,052,365, plus strand): 5'-TCCTAGACACCAGCATACAGAGTGACCACCGGGAAATCGAGGGCAGGGTCATGGTCACCG[A>G]CTTCGAGAATGTGCCCGAGGAGGACGGGACCCGCTTCCACAGACAGGTAAGCACGGCCGT-3'
Protein context (NP_777596.2, residues 194-214): REIEGRVMVT[Asp204Gly]FENVPEEDGT

ClinVar aggregate classification (germline): Uncertain significance. Review status: criteria provided, multiple submitters, no conflicts (2 of 4 stars). 2 submissions from 2 submitters: Uncertain significance (2). Last evaluated 2026-01-25.

Conditions:
Cardiovascular phenotype. Identifiers: MedGen CN230736.
Familial hypercholesterolemia. Also called: Familial hypercholesterolemias; Familial hypercholesterolaemia. Identifiers: MedGen C0020445, MONDO:0005439.

Allele frequency attached by ClinVar (database versions not stated): TOPMed below 0.00001; gnomAD 0.00001.
gnomAD v4.1: 3 of 1,613,688 alleles (0.00019%); highest among the groups gnomAD compares: Admixed American, 0.005%; no homozygotes.

Submissions (2):

Ambry Genetics
Classification: Uncertain significance for Cardiovascular phenotype. Last evaluated: 2026-01-25. Review status: criteria provided, single submitter. Criteria: Ambry Variant Classification Scheme 2023. Collection method: clinical testing. Allele origin: germline.
Comment: The p.D204G variant (also known as c.611A>G), located in coding exon 4 of the PCSK9 gene, results from an A to G substitution at nucleotide position 611. The aspartic acid at codon 204 is replaced by glycine, an amino acid with similar properties. This amino acid position is conserved. In addition, the in silico prediction for this alteration is inconclusive. Based on the available evidence, the clinical significance of this variant remains unclear.

Color Diagnostics, LLC DBA Color Health
Classification: Uncertain significance for Familial hypercholesterolemia. Last evaluated: 2024-03-06. Review status: criteria provided, single submitter. Criteria: ACMG Guidelines, 2015. Collection method: clinical testing. Allele origin: germline.
Comment: This missense variant replaces aspartic acid with glycine at codon 204 of the PCSK9 protein. Computational prediction suggests that this variant may not impact protein structure and function (internally defined REVEL score threshold <= 0.5, PMID: 27666373). Splice site prediction tools suggest that this variant may not impact RNA splicing. To our knowledge, functional studies have not been performed for this variant. This variant has not been reported in individuals affected with familial hypercholesterolemia in the literature. This variant has not been identified in the general population by the Genome Aggregation Database (gnomAD). The available evidence is insufficient to determine the role of this variant in disease conclusively. Therefore, this variant is classified as a Variant of Uncertain Significance.